The following is an entry in ClinVar:

NM_000138.5(FBN1):c.3674C>T (p.Pro1225Leu)

Gene: FBN1 (fibrillin 1; minus strand). Cytogenetic location: 15q21.1.
Variant type: single nucleotide variant.
Coding change: c.3674C>T on transcript NM_000138.5 (MANE Select); coding-DNA position 3674, C replaced by T.
Protein change: p.Pro1225Leu; replaces proline 1225 with leucine.
Molecular consequence: missense variant.
Genome position (GRCh38, 1-based): chr15:48,485,412, G>A on the plus strand (C>T on the coding strand, the complement: FBN1 is on the minus strand). VCF-style: chr15-48485412-G-A. GRCh37 (hg19) VCF-style: chr15-48777609-G-A.
Other names: short protein forms P1225L.
Identifiers: ClinVar variation 658778 (VCV000658778.39), dbSNP rs775532488, ClinGen allele CA051330.

ClinVar aggregate classification (germline): Conflicting classifications of pathogenicity. Review status: criteria provided, conflicting classifications (1 of 4 stars). 7 submissions from 7 submitters: Uncertain significance (5); Likely benign (2). Last evaluated 2026-01-06.

Conditions:
Cardiovascular phenotype. Identifiers: MedGen CN230736.
Familial thoracic aortic aneurysm and aortic dissection (TAAD). Also called: Thoracic aortic aneurysms and dissections. Identifiers: Orphanet 91387, MedGen C4707243, MONDO:0019625.
Marfan syndrome (MFS). Also called: MARFAN SYNDROME, TYPE I; Marfan syndrome type 1; Marfan's syndrome; Marfan syndrome, classic; FBN1-Related Marfan Syndrome. Identifiers: Orphanet 284963, Orphanet 558, MedGen C0024796, MONDO:0007947, OMIM 154700.

Allele frequency attached by ClinVar (database versions not stated): ExAC 0.00001; gnomAD 0.00001; TOPMed 0.00001; gnomAD exomes 0.00002 and 0.00003.
gnomAD v4.1: 41 of 1,614,010 alleles (0.0025%); highest among the groups gnomAD compares: Middle Eastern, 0.016%; no homozygotes.

Submissions (7):

Labcorp Genetics (formerly Invitae), Labcorp
Classification: Likely benign for Marfan syndrome; Familial thoracic aortic aneurysm and aortic dissection. Last evaluated: 2026-01-06. Review status: criteria provided, single submitter. Criteria: Invitae Variant Classification Sherloc (09022015). Collection method: clinical testing. Allele origin: germline.

Molecular Diagnostic Laboratory for Inherited Cardiovascular Disease, Montreal Heart Institute
Classification: Uncertain significance for Cardiovascular phenotype. Last evaluated: 2025-04-09. Review status: criteria provided, single submitter. Criteria: ACMG Guidelines, 2015. Collection method: clinical testing. Allele origin: germline. Affected: yes.
Comment: PM1, PM2, PP2, BP5

Ambry Genetics
Classification: Uncertain significance for Familial thoracic aortic aneurysm and aortic dissection. Last evaluated: 2024-05-14. Review status: criteria provided, single submitter. Criteria: Ambry Variant Classification Scheme 2023. Collection method: clinical testing. Allele origin: germline.
Comment: The p.P1225L variant (also known as c.3674C>T), located in coding exon 29 of the FBN1 gene, results from a C to T substitution at nucleotide position 3674. The proline at codon 1225 is replaced by leucine, an amino acid with similar properties. This alteration has been reported in an adolescent idiopathic scoliosis cohort with limited clinical details (Buchan JG et al. Hum Mol Genet, 2014 Oct;23:5271-82). This amino acid position is poorly conserved in available vertebrate species. In addition, the in silico prediction for this alteration is inconclusive. Since supporting evidence is limited at this time, the clinical significance of this alteration remains unclear.

CeGaT Center for Human Genetics Tuebingen
Classification: Uncertain significance. Last evaluated: 2024-04-01. Review status: criteria provided, single submitter. Criteria: CeGaT Center For Human Genetics Tuebingen Variant Classification Criteria Version 2. Collection method: clinical testing. Allele origin: germline. Affected: yes. Observed: 1 variant allele.
Comment: FBN1: PS4:Supporting

All of Us Research Program, National Institutes of Health
Classification: Uncertain significance for Marfan syndrome. Last evaluated: 2024-03-24. Review status: criteria provided, single submitter. Criteria: ACMG Guidelines, 2015. Collection method: clinical testing. Allele origin: germline. Inheritance: Autosomal dominant inheritance. Observed: 8 variant alleles, 8 heterozygotes.
Comment: This missense variant replaces proline with leucine at codon 1225 of the FBN1 protein. Computational prediction is inconclusive regarding the impact of this variant on protein structure and function (internally defined REVEL score threshold 0.5 < inconclusive < 0.7, PMID: 27666373). To our knowledge, functional studies have not been reported for this variant. This variant has not been reported in individuals affected with Marfan syndrome or cardiovascular disorders in the literature, but it has been observed in an individual with adolescent idiopathic scoliosis (PMID: 24833718). This variant has been identified in 6/251474 chromosomes in the general population by the Genome Aggregation Database (gnomAD). The available evidence is insufficient to determine the role of this variant in disease conclusively. Therefore, this variant is classified as a Variant of Uncertain Significance.

This study involves interpretation of variants in research participants for the purpose of population health screening. Participant phenotype was not available at the time of variant classification. Additional details can be found in publication PMID: 35346344, PMCID: PMC8962531

Color Diagnostics, LLC DBA Color Health
Classification: Uncertain significance for Familial thoracic aortic aneurysm and aortic dissection. Last evaluated: 2024-03-07. Review status: criteria provided, single submitter. Criteria: ACMG Guidelines, 2015. Collection method: clinical testing. Allele origin: germline.
Comment: This missense variant replaces proline with leucine at codon 1225 of the FBN1 protein. Computational prediction is inconclusive regarding the impact of this variant on protein structure and function (internally defined REVEL score threshold 0.5 < inconclusive < 0.7, PMID: 27666373). To our knowledge, functional studies have not been reported for this variant. This variant has not been reported in individuals affected with FBN1-related disorders in the literature. This variant has been identified in 6/251474 chromosomes in the general population by the Genome Aggregation Database (gnomAD). The available evidence is insufficient to determine the role of this variant in disease conclusively. Therefore, this variant is classified as a Variant of Uncertain Significance.

Blueprint Genetics
Classification: Likely benign. Last evaluated: 2024-01-11. Review status: criteria provided, single submitter. Criteria: ACMG Guidelines, 2015. Collection method: clinical testing. Allele origin: germline.

Literature cited by the submitters: PubMed 24833718 (cited by Ambry Genetics and All of Us Research Program, National Institutes of Health).